The following is an entry in ClinVar:

ClinVar aggregate classification (germline): Uncertain significance (1 of 4 stars; one submission).

Conditions:
Developmental delay and seizures with or without movement abnormalities. Identifiers: MedGen C4693376, MONDO:0044326, OMIM 617836.

Submission:

Institute of Human Genetics, University of Goettingen
Classification: Uncertain significance for Developmental delay and seizures with or without movement abnormalities. Last evaluated: 2025-03-05. Review status: criteria provided, single submitter. Criteria: ACMG Guidelines, 2015. Collection method: clinical testing. Allele origin: unknown. Inheritance: Sporadic. Observed: 1 heterozygote.
Comment: The variant c.82C>T (p.(His28Tyr)) in exon 3 of the DHDDS-gene is not found in the gnomAD v4.0.0 database, it affects a highly conserved nucleotide, and a highly conserved amino acid and there is a moderate physicochemical difference between His and Tyr. This variant is located within a protein domain and a mutational hotspot and has a pathogenic outcome predicted by in silico algorithms (REVEL). ACMG criteria used for classification: PM1_SUP, PM2_SUP, PP3_MOD.

NM_205861.3(DHDDS):c.82C>T (p.His28Tyr)

Gene: DHDDS (dehydrodolichyl diphosphate synthase subunit; plus strand). Cytogenetic location: 1p36.11.
Variant type: single nucleotide variant.
Coding change: c.82C>T on transcript NM_205861.3 (MANE Select); coding-DNA position 82, C replaced by T.
Protein change: p.His28Tyr; replaces histidine 28 with tyrosine.
Molecular consequence: missense variant. On other transcripts: 5 prime UTR variant (1).
Genome position (GRCh38, 1-based): chr1:26,438,186, C>T. VCF-style: chr1-26438186-C-T. GRCh37 (hg19) VCF-style: chr1-26764677-C-T.
Other names: c.82C>T, p.His28Tyr (NM_001243564.2, NM_001243565.2, NM_024887.4); c.-221C>T (NM_001319959.2); short protein forms H28Y.
Identifiers: ClinVar variation 3775073 (VCV003775073.1), dbSNP rs763849890.